The following is an entry in ClinVar:

NM_003227.4(TFR2):c.2095_2096del (p.Asp699fs)

Genes: TFR2 (transferrin receptor 2; minus strand), LOC113687175 (Sharpr-MPRA regulatory region 4647; plus strand). Cytogenetic location: 7q22.1.
Variant type: Microsatellite.
Coding change: c.2095_2096del on transcript NM_003227.4 (MANE Select); coding-DNA positions 2095 to 2096, 2 bases deleted (GA; older notation c.2095_2096delGA).
Protein change: p.Asp699fs; shifts the reading frame from aspartic acid 699.
Molecular consequence: frameshift variant.
Genome position (GRCh38, 1-based): chr7:100,626,803-100,626,804, TC deleted on the plus strand (GA on the coding strand, the reverse complement: TFR2 is on the minus strand); deleting any 2 consecutive bases within chr7:100,626,803-100,626,810 gives the same sequence; the c. name uses the placement nearest the transcript's 3' end. VCF-style (leftmost placement, unchanged base first): chr7-100626802-GTC-G. GRCh37 (hg19) VCF-style: chr7-100224425-GTC-G.
Other names: c.1582_1583del, p.Asp528fs (NM_001206855.3); c.2095_2096delGA (NM_003227.3); short protein forms D528fs, D699fs.
Identifiers: ClinVar variation 1075084 (VCV001075084.11), dbSNP rs1562837561, ClinGen allele CA576450443.
Genomic context (GRCh38, chr7:100,626,802, plus strand): 5'-GCGAGGAGGGCGGGGCCTCACCCGCATTATGCGCACGTTGTACATGCGTGTCAGTCGCTC[GTC>G]TCTCTCCTCCGAGCTGTAGATCTCCTGCCGCAGCTTTTCCGCCGCCCGGATGTAGTCCCC-3'

ClinVar aggregate classification (germline): Pathogenic/Likely pathogenic. Review status: criteria provided, multiple submitters, no conflicts (2 of 4 stars). 4 submissions from 4 submitters: Pathogenic (1); Likely pathogenic (3). Last evaluated 2025-12-16.

Conditions:
Hereditary hemochromatosis (HFE). Identifiers: MedGen C0392514, MONDO:0006507. Disease mechanism: loss of function.
Hemochromatosis type 3 (HFE3). Also called: HEMOCHROMATOSIS DUE TO DEFECT IN TRANSFERRIN RECEPTOR 2; Hereditary hemochromatosis type 3; TFR2-Related Hemochromatosis. Identifiers: Orphanet 225123, MedGen C1858664, MONDO:0011417, OMIM 604250.

Submissions (4):

Labcorp Genetics (formerly Invitae), Labcorp
Classification: Pathogenic for Hereditary hemochromatosis. Last evaluated: 2025-12-16. Review status: criteria provided, single submitter. Criteria: Invitae Variant Classification Sherloc (09022015). Collection method: clinical testing. Allele origin: germline.
Comment: This sequence change creates a premature translational stop signal (p.Asp699Argfs*92) in the TFR2 gene. While this is not anticipated to result in nonsense mediated decay, it is expected to disrupt the last 103 amino acid(s) of the TFR2 protein. This variant is present in population databases (no rsID available, gnomAD 0.007%). This variant has not been reported in the literature in individuals affected with TFR2-related conditions. This variant disrupts a region of the TFR2 protein in which other variant(s) (p.Ile710Alafs*80) have been determined to be pathogenic (internal data). This suggests that this is a clinically significant region of the protein, and that variants that disrupt it are likely to be disease-causing. For these reasons, this variant has been classified as Pathogenic.

Natera, Inc.
Classification: Likely pathogenic for Hereditary hemochromatosis type 3. Last evaluated: 2025-07-02. Review status: criteria provided, single submitter. Criteria: Natera Variant Classification Schema (03/2026). Collection method: clinical testing. Allele origin: germline.
Comment: The c.2095_2096delGA variant in TFR2 is a frameshift variant predicted to shift the reading frame beginning at codon 699 and leads to a stop codon 92 codons downstream. This variant is expected to result in nonsense mediated decay, truncation, or a dysfunctional protein product. This variant is rare in the general population with a frequency below the threshold expected for the associated phenotype(s). Given the available evidence, this variant is classified as Likely Pathogenic.

Fulgent Genetics
Classification: Likely pathogenic for Hemochromatosis type 3. Last evaluated: 2024-06-04. Review status: criteria provided, single submitter. Criteria: ACMG Guidelines, 2015. Collection method: clinical testing. Allele origin: germline.

Baylor Genetics
Classification: Likely pathogenic for Hemochromatosis type 3. Last evaluated: 2024-02-03. Review status: criteria provided, single submitter. Criteria: ACMG Guidelines, 2015. Collection method: clinical testing. Allele origin: unknown.